The following is an entry in ClinVar:

ClinVar aggregate classification (germline): Uncertain significance (1 of 4 stars; one submission).

gnomAD v4.1: 8 of 1,552,164 alleles (0.00052%); highest among the groups gnomAD compares: Middle Eastern, 0.017%; no homozygotes.

Submission:

Labcorp Genetics (formerly Invitae), Labcorp
Classification: Uncertain significance. Last evaluated: 2024-03-10. Review status: criteria provided, single submitter. Criteria: Invitae Variant Classification Sherloc (09022015). Collection method: clinical testing. Allele origin: germline.
Comment: This sequence change replaces proline, which is neutral and non-polar, with serine, which is neutral and polar, at codon 1682 of the UNC80 protein (p.Pro1682Ser). This variant is not present in population databases (gnomAD no frequency). This variant has not been reported in the literature in individuals affected with UNC80-related conditions. Advanced modeling of protein sequence and biophysical properties (such as structural, functional, and spatial information, amino acid conservation, physicochemical variation, residue mobility, and thermodynamic stability) performed at Invitae indicates that this missense variant is not expected to disrupt UNC80 protein function with a negative predictive value of 80%. In summary, the available evidence is currently insufficient to determine the role of this variant in disease. Therefore, it has been classified as a Variant of Uncertain Significance.

NM_001371986.1(UNC80):c.5242C>T (p.Pro1748Ser)

Genes: UNC80 (unc-80 subunit of NALCN channel complex; plus strand), LOC126806490 (P300/CBP strongly-dependent group 1 enhancer GRCh37_chr2:210782411-210783610; plus strand). Cytogenetic location: 2q34.
Variant type: single nucleotide variant.
Coding change: c.5242C>T on transcript NM_001371986.1 (MANE Select); coding-DNA position 5242, C replaced by T.
Protein change: p.Pro1748Ser; replaces proline 1748 with serine.
Molecular consequence: missense variant.
Genome position (GRCh38, 1-based): chr2:209,918,562, C>T. VCF-style: chr2-209918562-C-T. GRCh37 (hg19) VCF-style: chr2-210783286-C-T.
Other names: c.5044C>T, p.Pro1682Ser (NM_032504.2); c.5029C>T, p.Pro1677Ser (NM_182587.4); short protein forms P1677S, P1748S, P1682S.
Identifiers: ClinVar variation 3701141 (VCV003701141.2).